The following is an entry in ClinVar:

ClinVar aggregate classification (germline): Uncertain significance (1 of 4 stars; one submission).

gnomAD v4.1: 11 of 1,613,982 alleles (0.00068%); highest among the groups gnomAD compares: Admixed American, 0.0017%; no homozygotes.

Submission:

Women's Health and Genetics/Laboratory Corporation of America, LabCorp
Classification: Uncertain significance. Last evaluated: 2026-05-15. Review status: criteria provided, single submitter. Criteria: LabCorp Variant Classification Summary - May 2015. Collection method: clinical testing. Allele origin: germline.
Comment: Variant summary: TECTA c.4004G>C (p.Gly1335Ala) results in a non-conservative amino acid change in the encoded protein sequence. Algorithms developed to predict the effect of missense changes on protein structure and function are either unavailable or do not agree on the potential impact of this missense change. The variant allele was found at a frequency of 8e-06 in 250702 control chromosomes. The available data on variant occurrences in the general population are insufficient to allow any conclusion about variant significance. To our knowledge, no occurrence of c.4004G>C in individuals affected with TECTA-related conditions and no experimental evidence demonstrating its impact on protein function have been reported. No submitters have cited clinical-significance assessments for this variant to ClinVar. Based on the evidence outlined above, the variant was classified as uncertain significance.

NM_005422.4(TECTA):c.4004G>C (p.Gly1335Ala)

Genes: TBCEL-TECTA (TBCEL-TECTA readthrough; plus strand), TECTA (tectorin alpha; plus strand). Cytogenetic location: 11q23.3.
Variant type: single nucleotide variant.
Coding change: c.4004G>C on transcript NM_005422.4 (MANE Select); coding-DNA position 4004, G replaced by C.
Protein change: p.Gly1335Ala; replaces glycine 1335 with alanine.
Molecular consequence: missense variant.
Genome position (GRCh38, 1-based): chr11:121,146,015, G>C. VCF-style: chr11-121146015-G-C. GRCh37 (hg19) VCF-style: chr11-121016724-G-C.
Other names: c.4961G>C, p.Gly1654Ala (NM_001378761.1); short protein forms G1335A, G1654A.
Identifiers: ClinVar variation 4853047 (VCV004853047.1).